The following is an entry in ClinVar:

ClinVar aggregate classification (germline): Uncertain significance (1 of 4 stars; one submission).

Conditions:
Adenylosuccinate lyase deficiency (ADSLD). Also called: ADSL DEFICIENCY. Identifiers: Orphanet 46, MedGen C0268126, MONDO:0007068, OMIM 103050.

Submission:

Labcorp Genetics (formerly Invitae), Labcorp
Classification: Uncertain significance for Adenylosuccinate lyase deficiency. Last evaluated: 2021-10-28. Review status: criteria provided, single submitter. Criteria: Invitae Variant Classification Sherloc (09022015). Collection method: clinical testing. Allele origin: germline.
Comment: In summary, the available evidence is currently insufficient to determine the role of this variant in disease. Therefore, it has been classified as a Variant of Uncertain Significance. Experimental studies and prediction algorithms are not available or were not evaluated, and the functional significance of this variant is currently unknown. This variant has not been reported in the literature in individuals affected with ADSL-related conditions. This variant is not present in population databases (gnomAD no frequency). This variant occurs in a non-coding region of the ADSL gene. It does not change the encoded amino acid sequence of the ADSL protein.

NC_000022.11:g.40346329A>C

Gene: ADSL (adenylosuccinate lyase; plus strand). Cytogenetic location: 22q13.1.
Variant type: single nucleotide variant.
Genome position: GRCh38 VCF-style: chr22-40346329-A-C. GRCh37 (hg19) VCF-style: chr22-40742333-A-C.
Identifiers: ClinVar variation 1423524 (VCV001423524.6), dbSNP rs2146610651, ClinGen allele CA2573158349.